The following is an entry in ClinVar:

ClinVar aggregate classification (germline): Uncertain significance. Review status: criteria provided, multiple submitters, no conflicts (2 of 4 stars). 2 submissions from 2 submitters: Uncertain significance (2). Last evaluated 2022-06-15.

Allele frequency attached by ClinVar (database versions not stated): ExAC 0.00001; gnomAD 0.00001; gnomAD exomes 0.00001; TOPMed 0.00002.
gnomAD v4.1: 13 of 1,588,340 alleles (0.00082%); highest among the groups gnomAD compares: Non-Finnish European, 0.0011%; no homozygotes.

Submissions (2):

Labcorp Genetics (formerly Invitae), Labcorp
Classification: Uncertain significance. Last evaluated: 2022-06-15. Review status: criteria provided, single submitter. Criteria: Invitae Variant Classification Sherloc (09022015). Collection method: clinical testing. Allele origin: germline.
Comment: This variant is present in population databases (rs760067601, gnomAD 0.002%). In summary, the available evidence is currently insufficient to determine the role of this variant in disease. Therefore, it has been classified as a Variant of Uncertain Significance. Algorithms developed to predict the effect of missense changes on protein structure and function are either unavailable or do not agree on the potential impact of this missense change (SIFT: "Deleterious"; PolyPhen-2: "Probably Damaging"; Align-GVGD: "Class C0"). This variant has not been reported in the literature in individuals affected with CDC6-related conditions. This sequence change replaces leucine, which is neutral and non-polar, with valine, which is neutral and non-polar, at codon 555 of the CDC6 protein (p.Leu555Val).

Ambry Genetics
Classification: Uncertain significance. Last evaluated: 2021-07-27. Review status: criteria provided, single submitter. Criteria: Ambry Variant Classification Scheme 2023. Collection method: clinical testing. Allele origin: germline.

NM_001254.4(CDC6):c.1663T>G (p.Leu555Val)

Gene: CDC6 (cell division cycle 6; plus strand). Cytogenetic location: 17q21.2.
Variant type: single nucleotide variant.
Coding change: c.1663T>G on transcript NM_001254.4 (MANE Select); coding-DNA position 1663, T replaced by G.
Protein change: p.Leu555Val; replaces leucine 555 with valine.
Molecular consequence: missense variant.
Genome position (GRCh38, 1-based): chr17:40,301,981, T>G. VCF-style: chr17-40301981-T-G. GRCh37 (hg19) VCF-style: chr17-38458233-T-G.
Other names: short protein forms L555V.
Identifiers: ClinVar variation 1989760 (VCV001989760.5), dbSNP rs760067601, ClinGen allele CA8542208.